The following is an entry in ClinVar:

ClinVar aggregate classification (germline): Likely benign. Review status: criteria provided, multiple submitters, no conflicts (2 of 4 stars). 2 submissions from 2 submitters: Likely benign (2). Last evaluated 2025-08-29.

Conditions:
Wilson-Turner syndrome (WTS). Also called: MENTAL RETARDATION, X-LINKED, SYNDROMIC 6; INTELLECTUAL DEVELOPMENTAL DISORDER, X-LINKED, SYNDROMIC, WILSON-TURNER TYPE. Identifiers: Orphanet 3459, MedGen C1839736, MONDO:0010665, OMIM 309585.

Allele frequency attached by ClinVar (database versions not stated): gnomAD 0.00001; gnomAD exomes 0.00002; TOPMed 0.00002.
gnomAD v4.1: 27 of 1,166,179 alleles (0.0023%); highest among the groups gnomAD compares: Middle Eastern, 0.093%; no homozygotes.

Submissions (2):

Labcorp Genetics (formerly Invitae), Labcorp
Classification: Likely benign for Wilson-Turner syndrome. Last evaluated: 2025-08-29. Review status: criteria provided, single submitter. Criteria: Invitae Variant Classification Sherloc (09022015). Collection method: clinical testing. Allele origin: germline.

CeGaT Center for Human Genetics Tuebingen
Classification: Likely benign. Last evaluated: 2024-01-01. Review status: criteria provided, single submitter. Criteria: CeGaT Center For Human Genetics Tuebingen Variant Classification Criteria Version 2. Collection method: clinical testing. Allele origin: germline. Affected: yes. Observed: 1 variant allele.
Comment: LAS1L: BP4, BP7

NM_031206.7(LAS1L):c.2166G>A (p.Gly722=)

Gene: LAS1L (LAS1 like ribosome biogenesis factor; minus strand). Cytogenetic location: Xq12.
Variant type: single nucleotide variant.
Coding change: c.2166G>A on transcript NM_031206.7 (MANE Select); coding-DNA position 2166, G replaced by A.
Protein change: p.Gly722=; no amino-acid change (glycine 722 retained).
Molecular consequence: synonymous variant. On other transcripts: non-coding transcript variant (1).
Genome position (GRCh38, 1-based): chrX:65,512,814, C>T on the plus strand (G>A on the coding strand, the complement: LAS1L is on the minus strand). VCF-style: chrX-65512814-C-T. GRCh37 (hg19) VCF-style: chrX-64732694-C-T.
Other names: c.2115G>A, p.Gly705= (NM_001170649.2); c.1989G>A, p.Gly663= (NM_001170650.2); c.2163G>A, p.Gly721= (NM_001375328.1); c.1209G>A, p.Gly403= (NM_001375332.1); c.2112G>A, p.Gly704= (NM_001375333.1).
Identifiers: ClinVar variation 2992367 (VCV002992367.25), dbSNP rs1377146467, ClinGen allele CA516832434.
Genomic context (GRCh38, chrX:65,512,814, plus strand): 5'-CACTTGCACCAGGGATGGCCATCAGAAGAGCTGCAGGCCAGTTTTGAGCCCATGCAGCTG[C>T]CCCTGGCTCCAGAGAAGGCCCTCGAAGTTGCTGCTGCTGCTGTTGCTGCAGTTGCCACTG-3'
Protein context (NP_112483.1, residues 712-732): SNFEGLLWSQ[Gly722=]QLHGLKTGLQ